The following is an entry in ClinVar:

NM_000541.5(SAG):c.-69G>A

Gene: SAG (S-antigen visual arrestin; plus strand). Cytogenetic location: 2q37.1.
Variant type: single nucleotide variant.
Coding change: c.-69G>A on transcript NM_000541.5 (MANE Select); 69 bases upstream of the start codon, G replaced by A.
Molecular consequence: 5 prime UTR variant.
Genome position (GRCh38, 1-based): chr2:233,307,982, G>A. VCF-style: chr2-233307982-G-A. GRCh37 (hg19) VCF-style: chr2-234216628-G-A.
Identifiers: ClinVar variation 896657 (VCV000896657.4), dbSNP rs189763324, ClinGen allele CA67531255.
Genomic context (GRCh38, chr2:233,307,982, plus strand): 5'-CAGCTTGCTCAGAACAGGGGCTGGCTATTCATCATCTCAGAGCATAGAGACCCTCTCCTT[G>A]CCACCCGGCCCTTCCCACCTGGTTGGTGACAAATCACAAGGTATGTGACCACCACAGGCC-3'

ClinVar aggregate classification (germline): Conflicting classifications of pathogenicity. Review status: criteria provided, conflicting classifications (1 of 4 stars). 2 submissions from 1 submitter: Uncertain significance (1); Likely benign (1). Last evaluated 2018-01-13.

Conditions:
Retinitis pigmentosa (RP). Identifiers: Orphanet 791, MedGen C0035334, MeSH D012174, MONDO:0019200, OMIM 268000. Inheritance: Autosomal dominant, autosomal recessive and X linked inheritance.
Oguchi disease. Also called: Oguchi's disease. Identifiers: Orphanet 75382, MedGen C1306122, MONDO:0019152.

Allele frequency attached by ClinVar (database versions not stated): gnomAD 0.00363 and 0.00397; 1000 Genomes Project 0.00379; 1000 Genomes Project 30x 0.00390; TOPMed 0.00402.

Submissions (2):

Illumina Laboratory Services, Illumina
Classification: Uncertain significance for Retinitis pigmentosa. Last evaluated: 2018-01-13. Review status: criteria provided, single submitter. Criteria: ICSL Variant Classification Criteria 13 December 2019. Collection method: clinical testing. Allele origin: germline.

Illumina Laboratory Services, Illumina
Classification: Likely benign for Oguchi disease-1. Last evaluated: 2018-01-13. Review status: criteria provided, single submitter. Criteria: ICSL Variant Classification Criteria 13 December 2019. Collection method: clinical testing. Allele origin: germline.
Comment: This variant was observed in the ICSL laboratory as part of a predisposition screen in an ostensibly healthy population. It had not been previously curated by ICSL or reported in the Human Gene Mutation Database (HGMD: prior to June 1st, 2018), and was therefore a candidate for classification through an automated scoring system. Utilizing variant allele frequency, disease prevalence and penetrance estimates, and inheritance mode, an automated score was calculated to assess if this variant is too frequent to cause the disease. Based on the score and internal cut-off values, a variant classified as likely benign is not then subjected to further curation. The score for this variant resulted in a classification of likely benign for this disease.